The following is an entry in ClinVar:

ClinVar aggregate classification (germline): Pathogenic (1 of 4 stars; one submission).

Submission:

Labcorp Genetics (formerly Invitae), Labcorp
Classification: Pathogenic. Last evaluated: 2021-05-20. Review status: criteria provided, single submitter. Criteria: Invitae Variant Classification Sherloc (09022015). Collection method: clinical testing. Allele origin: germline.
Comment: For these reasons, this variant has been classified as Pathogenic. This variant has not been reported in the literature in individuals with ZMPSTE24-related conditions. This variant is present in population databases (rs764223838, ExAC 0.01%). This sequence change creates a premature translational stop signal (p.Leu362Tyrfs*5) in the ZMPSTE24 gene. It is expected to result in an absent or disrupted protein product. Loss-of-function variants in ZMPSTE24 are known to be pathogenic (PMID: 22718200, 24169522).

Literature cited by the submitters: PubMed 22718200; PubMed 24169522.

NM_005857.5(ZMPSTE24):c.1085del (p.Leu362fs)

Gene: ZMPSTE24 (zinc metallopeptidase STE24; plus strand). Cytogenetic location: 1p34.2.
Variant type: Deletion.
Coding change: c.1085del on transcript NM_005857.5 (MANE Select); coding-DNA position 1085, one base deleted (T; older notation c.1085delT).
Protein change: p.Leu362fs; shifts the reading frame from leucine 362.
Molecular consequence: frameshift variant.
Genome position (GRCh38, 1-based): chr1:40,290,879, T deleted; the last of 9 consecutive T bases (chr1:40,290,871-40,290,879); deleting any one gives the same sequence. VCF-style (leftmost placement, unchanged base first): chr1-40290870-GT-G. GRCh37 (hg19) VCF-style: chr1-40756542-GT-G.
Other names: short protein forms L362fs.
Identifiers: ClinVar variation 1377698 (VCV001377698.6), dbSNP rs137854889, ClinGen allele CA791166.